The following is an entry in ClinVar:

NM_080911.3(UNG):c.260C>T (p.Ala87Val)

Gene: UNG (uracil DNA glycosylase; plus strand). Cytogenetic location: 12q24.11.
Variant type: single nucleotide variant.
Coding change: c.260C>T on transcript NM_080911.3 (MANE Select); coding-DNA position 260, C replaced by T.
Protein change: p.Ala87Val; replaces alanine 87 with valine.
Molecular consequence: missense variant.
Genome position (GRCh38, 1-based): chr12:109,098,559, C>T. VCF-style: chr12-109098559-C-T. GRCh37 (hg19) VCF-style: chr12-109536364-C-T.
Other names: c.233C>T, p.Ala78Val (NM_003362.4); short protein forms A78V, A87V.
Identifiers: ClinVar variation 646511 (VCV000646511.5), dbSNP rs767034552, ClinGen allele CA6772540.

ClinVar aggregate classification (germline): Uncertain significance. Review status: criteria provided, multiple submitters, no conflicts (2 of 4 stars). 2 submissions from 2 submitters: Uncertain significance (2). Last evaluated 2022-08-09.

Conditions:
Hyper-IgM syndrome type 5 (HIGM5). Also called: Hyper-IgM Immunodeficiency Syndrome, Type 5. Identifiers: Orphanet 101092, MedGen C1720958, MONDO:0011971, OMIM 608106.

Allele frequency attached by ClinVar (database versions not stated): ExAC 0.00002; gnomAD 0.00003 and 0.00004; TOPMed 0.00003.
gnomAD v4.1: 10 of 1,613,130 alleles (0.00062%); highest among the groups gnomAD compares: African/African-American, 0.011%; no homozygotes.

Submissions (2):

Labcorp Genetics (formerly Invitae), Labcorp
Classification: Uncertain significance for Hyper-IgM syndrome type 5. Last evaluated: 2022-08-09. Review status: criteria provided, single submitter. Criteria: Invitae Variant Classification Sherloc (09022015). Collection method: clinical testing. Allele origin: germline.
Comment: This sequence change replaces alanine, which is neutral and non-polar, with valine, which is neutral and non-polar, at codon 87 of the UNG protein (p.Ala87Val). This variant is present in population databases (rs767034552, gnomAD 0.02%). This variant has not been reported in the literature in individuals affected with UNG-related conditions. ClinVar contains an entry for this variant (Variation ID: 646511). Algorithms developed to predict the effect of missense changes on protein structure and function (SIFT, PolyPhen-2, Align-GVGD) all suggest that this variant is likely to be tolerated. Algorithms developed to predict the effect of sequence changes on RNA splicing suggest that this variant may create or strengthen a splice site. In summary, the available evidence is currently insufficient to determine the role of this variant in disease. Therefore, it has been classified as a Variant of Uncertain Significance.

Baylor Genetics
Classification: Uncertain significance for Hyper-IgM syndrome type 5. Last evaluated: 2018-02-06. Review status: criteria provided, single submitter. Criteria: ACMG Guidelines, 2015. Collection method: clinical testing. Allele origin: unknown. Affected: yes.
Comment: This variant was determined to be of uncertain significance according to ACMG Guidelines, 2015 [PMID:25741868].